The following is an entry in ClinVar:

NM_004612.4(TGFBR1):c.661A>G (p.Arg221Gly)

Gene: TGFBR1 (transforming growth factor beta receptor 1; plus strand). Cytogenetic location: 9q22.33.
Variant type: single nucleotide variant.
Coding change: c.661A>G on transcript NM_004612.4 (MANE Select); coding-DNA position 661, A replaced by G.
Protein change: p.Arg221Gly; replaces arginine 221 with glycine.
Molecular consequence: missense variant. On other transcripts: non-coding transcript variant (4), intron variant (2).
Genome position (GRCh38, 1-based): chr9:99,137,945, A>G. VCF-style: chr9-99137945-A-G. GRCh37 (hg19) VCF-style: chr9-101900227-A-G.
Other names: c.430A>G, p.Arg144Gly (NM_001130916.3); c.673A>G, p.Arg225Gly (NM_001306210.2, NM_001407416.1); c.661A>G, p.Arg221Gly (NM_001407417.1); c.466A>G, p.Arg156Gly (NM_001407418.1, NM_001407419.1, NM_001407420.1 and 1 more transcripts); c.454A>G, p.Arg152Gly (NM_001407423.1, NM_001407424.1, NM_001407425.1 and 8 more transcripts); c.415A>G, p.Arg139Gly (NM_001407436.1); c.184A>G, p.Arg62Gly (NM_001407438.1); c.575-4591A>G (NM_001407435.1); and 1 more; short protein forms R139G, R144G, R152G, R156G, R221G, R225G, R62G.
Identifiers: ClinVar variation 4975945 (VCV004975945.1).
Genomic context (GRCh38, chr9:99,137,945, plus strand): 5'-ATTGCGAGAACTATTGTGTTACAAGAAAGCATTGGCAAAGGTCGATTTGGAGAAGTTTGG[A>G]GAGGAAAGTGGCGGGGAGAAGAAGTTGCTGTTAAGATATTCTCCTCTAGAGAAGAACGTT-3'
Protein context (NP_004603.1, residues 211-231): IGKGRFGEVW[Arg221Gly]GKWRGEEVAV

ClinVar aggregate classification (germline): Uncertain significance (1 of 4 stars; one submission).

Submission:

GeneDx
Classification: Uncertain significance. Last evaluated: 2026-02-03. Review status: criteria provided, single submitter. Criteria: GeneDx Variant Classification Process June 2021. Collection method: clinical testing. Allele origin: germline.
Comment: Not observed at significant frequency in large population cohorts (gnomAD); In silico analysis supports that this missense variant has a deleterious effect on protein structure/function; Has not been previously published as pathogenic or benign to our knowledge